The following is an entry in ClinVar:

NM_024675.4(PALB2):c.3113+9T>C

Gene: PALB2 (partner and localizer of BRCA2; minus strand). Cytogenetic location: 16p12.2.
Variant type: single nucleotide variant.
Coding change: c.3113+9T>C on transcript NM_024675.4 (MANE Select); 9 bases into the intron after coding-DNA position 3113, T replaced by C.
Molecular consequence: intron variant.
Genome position (GRCh38, 1-based): chr16:23,621,353, A>G on the plus strand (T>C on the coding strand, the complement: PALB2 is on the minus strand). VCF-style: chr16-23621353-A-G. GRCh37 (hg19) VCF-style: chr16-23632674-A-G.
Other names: c.2228+9T>C (NM_001407308.1, NM_001407306.1, NM_001407309.1 and 4 more transcripts); c.647+9T>C (NM_001407314.1); c.1325+9T>C (NM_001407313.1, NM_001407312.1); c.3053+9T>C (NM_001407296.1); c.3041+9T>C (NM_001407297.1); c.2951+9T>C (NM_001407302.1, NM_001407298.1); c.2834+2656T>C (NM_001407300.1); c.3113+9T>C (NM_001407299.1, NM_001407301.1); and 1 more.
Identifiers: ClinVar variation 3903836 (VCV003903836.1).

ClinVar aggregate classification (germline): Likely benign (1 of 4 stars; one submission).

Conditions:
Familial cancer of breast. Also called: Hereditary breast cancer; hereditary breast carcinoma; BREAST CANCER, FAMILIAL. Identifiers: Orphanet 227535, MedGen C0346153, MONDO:0016419, OMIM 114480. Disease mechanism: loss of function.

Submission:

Myriad Genetics, Inc.
Classification: Likely benign for Familial cancer of breast. Last evaluated: 2025-01-21. Review status: criteria provided, single submitter. Criteria: Myriad Autosomal Dominant, Autosomal Recessive and X-Linked Classification Criteria (2023). Collection method: clinical testing. Allele origin: unknown.
Comment: This variant is considered likely benign. This variant is intronic and is not expected to impact mRNA splicing.